The following is an entry in ClinVar:

NM_014915.3(ANKRD26):c.1939G>A (p.Val647Met)

Gene: ANKRD26 (ankyrin repeat domain containing 26; minus strand). Cytogenetic location: 10p12.1.
Variant type: single nucleotide variant.
Coding change: c.1939G>A on transcript NM_014915.3 (MANE Select); coding-DNA position 1939, G replaced by A.
Protein change: p.Val647Met; replaces valine 647 with methionine.
Molecular consequence: missense variant.
Genome position (GRCh38, 1-based): chr10:27,046,399, C>T on the plus strand (G>A on the coding strand, the complement: ANKRD26 is on the minus strand). VCF-style: chr10-27046399-C-T. GRCh37 (hg19) VCF-style: chr10-27335328-C-T.
Other names: c.1936G>A, p.Val646Met (NM_001256053.2); short protein forms V646M, V647M.
Identifiers: ClinVar variation 4102582 (VCV004102582.1).

ClinVar aggregate classification (germline): Uncertain significance (1 of 4 stars; one submission).

Conditions:
Inborn genetic diseases. Identifiers: MedGen C0950123, MeSH D030342.

gnomAD v4.1: 2 of 1,614,140 alleles (0.00012%); highest among the groups gnomAD compares: Non-Finnish European, 0.00017%; no homozygotes.

Submission:

Ambry Genetics
Classification: Uncertain significance for Inborn genetic diseases. Last evaluated: 2025-07-12. Review status: criteria provided, single submitter. Criteria: Ambry Variant Classification Scheme 2023. Collection method: clinical testing. Allele origin: germline.
Comment: The p.V647M variant (also known as c.1939G>A), located in coding exon 18 of the ANKRD26 gene, results from a G to A substitution at nucleotide position 1939. The valine at codon 647 is replaced by methionine, an amino acid with highly similar properties. This amino acid position is conserved. In addition, this alteration is predicted to be tolerated by in silico analysis. Based on the available evidence, the clinical significance of this variant remains unclear.